The following is an entry in ClinVar:

ClinVar aggregate classification (germline): Uncertain significance. Review status: criteria provided, multiple submitters, no conflicts (2 of 4 stars). 2 submissions from 2 submitters: Uncertain significance (2). Last evaluated 2024-02-21.

Conditions:
BIRC6-related disorder. Also called: BIRC6-related condition.

Allele frequency attached by ClinVar (database versions not stated): ExAC 0.00001; gnomAD exomes 0.00001.
gnomAD v4.1: 8 of 1,613,958 alleles (0.0005%); highest among the groups gnomAD compares: Non-Finnish European, 0.00068%; no homozygotes.

Submissions (2):

Ambry Genetics
Classification: Uncertain significance. Last evaluated: 2024-02-21. Review status: criteria provided, single submitter. Criteria: Ambry Variant Classification Scheme 2023. Collection method: clinical testing. Allele origin: germline.

PreventionGenetics, part of Exact Sciences
Classification: Uncertain significance for BIRC6-related condition. Last evaluated: 2023-02-17. Review status: criteria provided, single submitter. Criteria: ACMG Guidelines, 2015. Collection method: clinical testing. Allele origin: germline.
Comment: The BIRC6 c.2558A>G variant is predicted to result in the amino acid substitution p.Gln853Arg. To our knowledge, this variant has not been reported in the literature. This variant is reported in 0.00088% of alleles in individuals of European (Non-Finnish) descent in gnomAD. At this time, the clinical significance of this variant is uncertain due to the absence of conclusive functional and genetic evidence.

NM_016252.4(BIRC6):c.2558A>G (p.Gln853Arg)

Gene: BIRC6 (baculoviral IAP repeat containing 6; plus strand). Cytogenetic location: 2p22.3.
Variant type: single nucleotide variant.
Coding change: c.2558A>G on transcript NM_016252.4 (MANE Select); coding-DNA position 2558, A replaced by G.
Protein change: p.Gln853Arg; replaces glutamine 853 with arginine.
Molecular consequence: missense variant.
Genome position (GRCh38, 1-based): chr2:32,415,849, A>G. VCF-style: chr2-32415849-A-G. GRCh37 (hg19) VCF-style: chr2-32640917-A-G.
Other names: c.2474A>G, p.Gln825Arg (NM_001378125.1); short protein forms Q825R, Q853R.
Identifiers: ClinVar variation 2628777 (VCV002628777.2), dbSNP rs779941528, ClinGen allele CA1602945.